The following is an entry in ClinVar:

ClinVar aggregate classification (germline): Pathogenic (1 of 4 stars; one submission).

Conditions:
Spastic paraplegia. Identifiers: MedGen C0037772, HP:0001258.

Submission:

Labcorp Genetics (formerly Invitae), Labcorp
Classification: Pathogenic for Spastic paraplegia. Last evaluated: 2023-04-28. Review status: criteria provided, single submitter. Criteria: Invitae Variant Classification Sherloc (09022015). Collection method: clinical testing. Allele origin: germline.
Comment: For these reasons, this variant has been classified as Pathogenic. This variant disrupts a region of the SACS protein in which other variant(s) (p.Asn4549Asp) have been determined to be pathogenic (PMID: 15156359, 21507954). This suggests that this is a clinically significant region of the protein, and that variants that disrupt it are likely to be disease-causing. ClinVar contains an entry for this variant (Variation ID: 1968153). This variant has not been reported in the literature in individuals affected with SACS-related conditions. This variant is not present in population databases (gnomAD no frequency). This sequence change creates a premature translational stop signal (p.Met1514Trpfs*23) in the SACS gene. While this is not anticipated to result in nonsense mediated decay, it is expected to disrupt the last 3066 amino acid(s) of the SACS protein.

Literature cited by the submitters: PubMed 15156359; PubMed 21507954.

NM_014363.6(SACS):c.4539del (p.Met1514fs)

Gene: SACS (sacsin molecular chaperone; minus strand). Cytogenetic location: 13q12.12.
Variant type: Deletion.
Coding change: c.4539del on transcript NM_014363.6 (MANE Select); coding-DNA position 4539, one base deleted (G; older notation c.4539delG).
Protein change: p.Met1514fs; shifts the reading frame from methionine 1514.
Molecular consequence: frameshift variant.
Genome position (GRCh38, 1-based): chr13:23,339,337, C deleted on the plus strand (G on the coding strand, the reverse complement: SACS is on the minus strand); the first of 3 consecutive C bases (chr13:23,339,337-23,339,339); deleting any one gives the same sequence. VCF-style (leftmost placement, unchanged base first): chr13-23339336-TC-T. GRCh37 (hg19) VCF-style: chr13-23913475-TC-T.
Other names: c.4098del, p.Met1367fs (NM_001278055.2); short protein forms M1514fs, M1367fs.
Identifiers: ClinVar variation 1968153 (VCV001968153.5), dbSNP rs2542280535, ClinGen allele CA2580086877.
Genomic context (GRCh38, chr13:23,339,336, plus strand): 5'-CTGAATCTGAGAATTGAGAATTGTTGAATGACCACAAAGCAGGTCCATGACAAGCTGCCA[TC>T]CCTGGGTCTAGGAGATTCTCTCTTATGTCCATATTTCTTCTCATATCAATCAAGAAACTG-3'